The following is an entry in ClinVar:

ClinVar aggregate classification (germline): Uncertain significance (1 of 4 stars; one submission).

Allele frequency attached by ClinVar (database versions not stated): gnomAD exomes below 0.00001 and 0.00001; ExAC 0.00001.
gnomAD v4.1: 6 of 1,613,582 alleles (0.00037%); highest among the groups gnomAD compares: Non-Finnish European, 0.00051%; no homozygotes.

Submission:

GeneDx
Classification: Uncertain significance. Last evaluated: 2014-05-23. Review status: criteria provided, single submitter. Criteria: GeneDx Variant Classification (06012015). Collection method: clinical testing. Allele origin: germline. Affected: yes.
Comment: Missense variants in the TTN gene are considered 'unclassified' if they are not previously reported in the literature and do not have >1% frequency in the population to be considered a polymorphism. Research indicates that truncating mutations in the TTN gene are expected to account for approximately 25% of familial and 18% of sporadic idiopathic DCM; however, truncating variants in the TTN gene have been reported in approximately 3% of reported control alleles. There has been little investigation into non-truncating variants. (Herman D et al. Truncations of titin causing dilated cardiomyopathy. N Eng J Med 366:619-628, 2012) The variant is found in CARDIOMYOPATHY panel(s).

NM_001267550.2(TTN):c.80338C>A (p.Pro26780Thr)

Genes: TTN (titin; minus strand), TTN-AS1 (TTN antisense RNA 1; plus strand). Cytogenetic location: 2q31.2.
Variant type: single nucleotide variant.
Coding change: c.80338C>A on transcript NM_001267550.2 (MANE Select); coding-DNA position 80338, C replaced by A.
Protein change: p.Pro26780Thr; replaces proline 26780 with threonine.
Molecular consequence: missense variant.
Genome position (GRCh38, 1-based): chr2:178,565,794, G>T on the plus strand (C>A on the coding strand, the complement: TTN is on the minus strand). VCF-style: chr2-178565794-G-T. GRCh37 (hg19) VCF-style: chr2-179430521-G-T.
Other names: p.P25139T:CCT>ACT; c.75415C>A, p.Pro25139Thr (NM_001256850.1); c.53143C>A, p.Pro17715Thr (NM_003319.4); c.72634C>A, p.Pro24212Thr (NM_133378.4); c.53518C>A, p.Pro17840Thr (NM_133432.3); c.53719C>A, p.Pro17907Thr (NM_133437.4); short protein forms P25139T, P26780T, P17715T, P17907T, P24212T, P17840T.
Identifiers: ClinVar variation 202898 (VCV000202898.2), dbSNP rs775149188, ClinGen allele CA310626.
Genomic context (GRCh38, chr2:178,565,794, plus strand): 5'-TAAGTGATGCACTGGTCTGGGACACATCAGTGAGTGTAACCTTTCCTGGTGGGGAAGGAG[G>T]TTCAGCAGCTTTCACGGCATCAACAGTTTCCACTGGAACACCAACTCCAAATTCATTTTC-3'
Protein context (NP_001254479.2, residues 26770-26790): ETVDAVKAAE[Pro26780Thr]PSPPGKVTLT